The following is an entry in ClinVar:

ClinVar aggregate classification (germline): Conflicting classifications of pathogenicity. Review status: criteria provided, conflicting classifications (1 of 4 stars). 3 submissions from 3 submitters: Uncertain significance (2); Benign (1). Last evaluated 2025-08-30.

Conditions:
Hereditary cancer-predisposing syndrome. Also called: Neoplastic Syndromes, Hereditary; Tumor predisposition; Hereditary Cancer Syndrome; Hereditary neoplastic syndrome. Identifiers: Orphanet 140162, MedGen C0027672, MeSH D009386, MONDO:0015356.
Multiple endocrine neoplasia, type 2 (MEN2). Identifiers: Orphanet 653, MedGen C4048306, MONDO:0019003. Disease mechanism: gain of function.
Multiple endocrine neoplasia type 2A. Also called: MULTIPLE ENDOCRINE NEOPLASIA, TYPE IIA; PTC SYNDROME; SIPPLE SYNDROME; MEN 2A; MEN-2A syndrome; Pheochromocytoma and amyloid producing medullary thyroid carcinoma. Identifiers: Orphanet 247698, Orphanet 653, MedGen C0025268, MeSH D018813, MONDO:0008234, OMIM 171400.

gnomAD v4.1: 1 of 1,613,858 alleles (0.000062%); highest among the groups gnomAD compares: Non-Finnish European, 0.000085%; no homozygotes.

Submissions (3):

Labcorp Genetics (formerly Invitae), Labcorp
Classification: Uncertain significance for Multiple endocrine neoplasia, type 2. Last evaluated: 2025-08-30. Review status: criteria provided, single submitter. Criteria: Invitae Variant Classification Sherloc (09022015). Collection method: clinical testing. Allele origin: germline.
Comment: This sequence change replaces serine, which is neutral and polar, with tyrosine, which is neutral and polar, at codon 922 of the RET protein (p.Ser922Tyr). This variant is not present in population databases (gnomAD no frequency). This missense change has been observed in individual(s) with Hirschsprung disease, type 1 (PMID: 28799054). It has also been observed to segregate with disease in related individuals. ClinVar contains an entry for this variant (Variation ID: 24969). An algorithm developed to predict the effect of missense changes on protein structure and function (PolyPhen-2) suggests that this variant is likely to be disruptive. In summary, the available evidence is currently insufficient to determine the role of this variant in disease. Therefore, it has been classified as a Variant of Uncertain Significance.

Ambry Genetics
Classification: Uncertain significance for Hereditary cancer-predisposing syndrome. Last evaluated: 2024-11-07. Review status: criteria provided, single submitter. Criteria: Ambry Variant Classification Scheme 2023. Collection method: clinical testing. Allele origin: germline.
Comment: The p.S922Y variant (also known as c.2765C>A), located in coding exon 16 of the RET gene, results from a C to A substitution at nucleotide position 2765. The serine at codon 922 is replaced by tyrosine, an amino acid with dissimilar properties. This alteration has been reported in five Japanese female relatives diagnosed with Hirschsprung disease (Kawano T et al. Pediatr Surg Int. 2017 Oct;33:1041-1046). This alteration has also been reported in a patient with multiple endocrine neoplasia type 2B; however another RET alteration, p.M918T (c.2753T>C) was also detected in this individual, and three other family members with only p.S922Y were asymptomatic (Kitamura Y et al. Hum Mol Genet. 1995 Oct;4:1987-8). This amino acid position is highly conserved in available vertebrate species. In addition, this alteration is predicted to be deleterious by in silico analysis. Since supporting evidence is limited at this time, the clinical significance of this alteration remains unclear.

Mendelics
Classification: Benign for Multiple endocrine neoplasia type 2A. Last evaluated: 2019-05-28. Review status: criteria provided, single submitter. Criteria: Mendelics Assertion Criteria 2017. Collection method: clinical testing. Allele origin: unknown.

Literature cited by the submitters: PubMed 28799054 (cited by Labcorp Genetics (formerly Invitae), Labcorp and Ambry Genetics); PubMed 11692159 (cited by Ambry Genetics); PubMed 8595427 (cited by Ambry Genetics).

NM_020975.6(RET):c.2765C>A (p.Ser922Tyr)

Gene: RET (ret proto-oncogene; plus strand). Cytogenetic location: 10q11.21.
Variant type: single nucleotide variant.
Coding change: c.2765C>A on transcript NM_020975.6 (MANE Select); coding-DNA position 2765, C replaced by A.
Protein change: p.Ser922Tyr; replaces serine 922 with tyrosine.
Molecular consequence: missense variant.
Genome position (GRCh38, 1-based): chr10:43,121,980, C>A. VCF-style: chr10-43121980-C-A. GRCh37 (hg19) VCF-style: chr10-43617428-C-A.
Other names: c.2765C>A, p.Ser922Tyr (NM_000323.2, NM_001406743.1, NM_001406744.1 and 4 more transcripts); c.2003C>A, p.Ser668Tyr (NM_001355216.2); c.2636C>A, p.Ser879Tyr (NM_001406761.1, NM_001406762.1, NM_001406764.1); c.2630C>A, p.Ser877Tyr (NM_001406763.1, NM_001406765.1); c.2477C>A, p.Ser826Tyr (NM_001406766.1, NM_001406767.1, NM_001406770.1); c.2501C>A, p.Ser834Tyr (NM_001406768.1); c.2369C>A, p.Ser790Tyr (NM_001406769.1, NM_001406772.1); c.2327C>A, p.Ser776Tyr (NM_001406771.1, NM_001406773.1); and 10 more; short protein forms S668Y, S439Y, S527Y, S580Y, S776Y, S834Y, S583Y, S747Y.
Identifiers: ClinVar variation 24969 (VCV000024969.10), dbSNP rs377767432, ClinGen allele CA009087.